The following is an entry in ClinVar:

ClinVar aggregate classification (germline): Uncertain significance (1 of 4 stars; one submission).

Conditions:
Developmental and epileptic encephalopathy 94 (DEE94). Also called: Epileptic encephalopathy, childhood-onset; CHD2-Related Neurodevelopmental Disorders. Identifiers: Orphanet 1942, Orphanet 2382, MedGen C3809278, MONDO:0014150, OMIM 615369.

Submission:

Labcorp Genetics (formerly Invitae), Labcorp
Classification: Uncertain significance for Developmental and epileptic encephalopathy 94. Last evaluated: 2022-09-19. Review status: criteria provided, single submitter. Criteria: Invitae Variant Classification Sherloc (09022015). Collection method: clinical testing. Allele origin: germline.
Comment: Advanced modeling of protein sequence and biophysical properties (such as structural, functional, and spatial information, amino acid conservation, physicochemical variation, residue mobility, and thermodynamic stability) performed at Invitae indicates that this missense variant is not expected to disrupt CHD2 protein function. This sequence change replaces isoleucine, which is neutral and non-polar, with valine, which is neutral and non-polar, at codon 348 of the CHD2 protein (p.Ile348Val). This variant is not present in population databases (gnomAD no frequency). This variant has not been reported in the literature in individuals affected with CHD2-related conditions. In summary, the available evidence is currently insufficient to determine the role of this variant in disease. Therefore, it has been classified as a Variant of Uncertain Significance.

NM_001271.4(CHD2):c.1042A>G (p.Ile348Val)

Gene: CHD2 (chromodomain helicase DNA binding protein 2; plus strand). Cytogenetic location: 15q26.1.
Variant type: single nucleotide variant.
Coding change: c.1042A>G on transcript NM_001271.4 (MANE Select); coding-DNA position 1042, A replaced by G.
Protein change: p.Ile348Val; replaces isoleucine 348 with valine.
Molecular consequence: missense variant.
Genome position (GRCh38, 1-based): chr15:92,943,058, A>G. VCF-style: chr15-92943058-A-G. GRCh37 (hg19) VCF-style: chr15-93486288-A-G.
Other names: c.1042A>G, p.Ile348Val (NM_001042572.3); short protein forms I348V.
Identifiers: ClinVar variation 1965879 (VCV001965879.5), dbSNP rs2505447294, ClinGen allele CA393902302.